The following is an entry in ClinVar:

NM_019108.4(SMG9):c.226-3T>C

Genes: SMG9 (SMG9 nonsense mediated mRNA decay factor; minus strand), LOC130064611 (ATAC-STARR-seq lymphoblastoid silent region 10728; plus strand). Cytogenetic location: 19q13.31.
Variant type: single nucleotide variant.
Coding change: c.226-3T>C on transcript NM_019108.4 (MANE Select); 3 bases into the intron before coding-DNA position 226, T replaced by C.
Molecular consequence: intron variant.
Genome position (GRCh38, 1-based): chr19:43,747,900, A>G on the plus strand (T>C on the coding strand, the complement: SMG9 is on the minus strand). VCF-style: chr19-43747900-A-G. GRCh37 (hg19) VCF-style: chr19-44252052-A-G.
Identifiers: ClinVar variation 2229592 (VCV002229592.2), dbSNP rs997937174, ClinGen allele CA308818840.

ClinVar aggregate classification (germline): Uncertain significance (1 of 4 stars; one submission).

Conditions:
Inborn genetic diseases. Identifiers: MedGen C0950123, MeSH D030342.

Allele frequency attached by ClinVar (database versions not stated): gnomAD exomes below 0.00001; gnomAD 0.00001; TOPMed 0.00002.

Submission:

Ambry Genetics
Classification: Uncertain significance for Inborn genetic diseases. Last evaluated: 2021-02-13. Review status: criteria provided, single submitter. Criteria: Ambry Variant Classification Scheme 2023. Collection method: clinical testing. Allele origin: germline.
Comment: The c.226-3T>C intronic alteration consists of a T to C substitution 3 nucleotides before coding exon 3 in the SMG9 gene. Based on insufficient or conflicting evidence, the clinical significance of this alteration remains unclear.